The following is an entry in ClinVar:

NM_015311.3(OBSL1):c.1466G>A (p.Arg489Gln)

Gene: OBSL1 (obscurin like cytoskeletal adaptor 1; minus strand). Cytogenetic location: 2q35.
Variant type: single nucleotide variant.
Coding change: c.1466G>A on transcript NM_015311.3 (MANE Select); coding-DNA position 1466, G replaced by A.
Protein change: p.Arg489Gln; replaces arginine 489 with glutamine.
Molecular consequence: missense variant.
Genome position (GRCh38, 1-based): chr2:219,567,786, C>T on the plus strand (G>A on the coding strand, the complement: OBSL1 is on the minus strand). VCF-style: chr2-219567786-C-T. GRCh37 (hg19) VCF-style: chr2-220432508-C-T.
Other names: c.1466G>A, p.Arg489Gln (NM_001173408.2, NM_001173431.2); c.1466G>A (NM_015311.2); short protein forms R489Q.
Identifiers: ClinVar variation 1495437 (VCV001495437.8), dbSNP rs781710755, ClinGen allele CA2131530.

ClinVar aggregate classification (germline): Uncertain significance. Review status: criteria provided, multiple submitters, no conflicts (2 of 4 stars). 3 submissions from 3 submitters: Uncertain significance (3). Last evaluated 2025-05-13.

Conditions:
Inborn genetic diseases. Identifiers: MedGen C0950123, MeSH D030342.

Allele frequency attached by ClinVar (database versions not stated): TOPMed 0.00001; gnomAD exomes 0.00002 and 0.00007; gnomAD 0.00001; ExAC 0.00002.

Submissions (3):

Ambry Genetics
Classification: Uncertain significance for Inborn genetic diseases. Last evaluated: 2025-05-13. Review status: criteria provided, single submitter. Criteria: Ambry Variant Classification Scheme 2023. Collection method: clinical testing. Allele origin: germline.

Women's Health and Genetics/Laboratory Corporation of America, LabCorp
Classification: Uncertain significance. Last evaluated: 2025-01-20. Review status: criteria provided, single submitter. Criteria: LabCorp Variant Classification Summary - May 2015. Collection method: clinical testing. Allele origin: germline.
Comment: Variant summary: OBSL1 c.1466G>A (p.Arg489Gln) results in a conservative amino acid change located in the Immunoglobulin domain (IPR003599) of the encoded protein sequence. Three of five in-silico tools predict a benign effect of the variant on protein function. The variant allele was found at a frequency of 2e-05 in 248812 control chromosomes (gnomAD). The available data on variant occurrences in the general population are insufficient to allow any conclusion about variant significance. To our knowledge, no occurrence of c.1466G>A in individuals affected with Three M Syndrome 2 and no experimental evidence demonstrating its impact on protein function have been reported. ClinVar contains an entry for this variant (Variation ID: 1495437). Based on the evidence outlined above, the variant was classified as uncertain significance.

Labcorp Genetics (formerly Invitae), Labcorp
Classification: Uncertain significance. Last evaluated: 2024-09-06. Review status: criteria provided, single submitter. Criteria: Invitae Variant Classification Sherloc (09022015). Collection method: clinical testing. Allele origin: germline.
Comment: This sequence change replaces arginine, which is basic and polar, with glutamine, which is neutral and polar, at codon 489 of the OBSL1 protein (p.Arg489Gln). This variant is present in population databases (rs781710755, gnomAD 0.01%). This variant has not been reported in the literature in individuals affected with OBSL1-related conditions. ClinVar contains an entry for this variant (Variation ID: 1495437). An algorithm developed to predict the effect of missense changes on protein structure and function (PolyPhen-2) suggests that this variant is likely to be disruptive. In summary, the available evidence is currently insufficient to determine the role of this variant in disease. Therefore, it has been classified as a Variant of Uncertain Significance.